The following is an entry in ClinVar:

ClinVar aggregate classification (germline): Uncertain significance (1 of 4 stars; one submission).

Conditions:
Nemaline myopathy 6 (NEM6). Also called: Nemaline myopathy 6, autosomal dominant. Identifiers: Orphanet 171439, MedGen C1836472, MONDO:0012237, OMIM 609273.

gnomAD v4.1: 7 of 1,497,578 alleles (0.00047%); highest among the groups gnomAD compares: East Asian, 0.0025%; no homozygotes.

Submission:

Labcorp Genetics (formerly Invitae), Labcorp
Classification: Uncertain significance for Nemaline myopathy 6. Last evaluated: 2025-01-06. Review status: criteria provided, single submitter. Criteria: Invitae Variant Classification Sherloc (09022015). Collection method: clinical testing. Allele origin: germline.
Comment: This sequence change replaces proline, which is neutral and non-polar, with arginine, which is basic and polar, at codon 70 of the KBTBD13 protein (p.Pro70Arg). This variant is not present in population databases (gnomAD no frequency). This variant has not been reported in the literature in individuals affected with KBTBD13-related conditions. ClinVar contains an entry for this variant (Variation ID: 1421438). Invitae Evidence Modeling of protein sequence and biophysical properties (such as structural, functional, and spatial information, amino acid conservation, physicochemical variation, residue mobility, and thermodynamic stability) indicates that this missense variant is expected to disrupt KBTBD13 protein function with a positive predictive value of 80%. In summary, the available evidence is currently insufficient to determine the role of this variant in disease. Therefore, it has been classified as a Variant of Uncertain Significance.

NM_001101362.3(KBTBD13):c.209C>G (p.Pro70Arg)

Gene: KBTBD13 (kelch repeat and BTB domain containing 13; plus strand). Cytogenetic location: 15q22.31.
Variant type: single nucleotide variant.
Coding change: c.209C>G on transcript NM_001101362.3 (MANE Select); coding-DNA position 209, C replaced by G.
Protein change: p.Pro70Arg; replaces proline 70 with arginine.
Molecular consequence: missense variant.
Genome position (GRCh38, 1-based): chr15:65,077,024, C>G. VCF-style: chr15-65077024-C-G. GRCh37 (hg19) VCF-style: chr15-65369362-C-G.
Other names: short protein forms P70R.
Identifiers: ClinVar variation 1421438 (VCV001421438.6), dbSNP rs766269932, ClinGen allele CA7613900.
Genomic context (GRCh38, chr15:65,077,024, plus strand): 5'-TGGGCGTTCTGAGCGCGGGAGGTTTCCGCGCCACGCTGCAGGTGCTGCGCGGCGACCGGC[C>G]GGCGCTGGCGGCGGAGGACGAGCTGCTGCAGGCCGTGGAGTGCGCCGCCTTCCTCCAGGC-3'
Protein context (NP_001094832.1, residues 60-80): ATLQVLRGDR[Pro70Arg]ALAAEDELLQ